The following is an entry in ClinVar:

ClinVar aggregate classification (germline): Uncertain significance (1 of 4 stars; one submission).

Conditions:
Dyskeratosis congenita, autosomal dominant 1 (DKCA1). Also called: Dyskeratosis congenita Scoggins type. Identifiers: Orphanet 1775, MedGen C4551974, MONDO:0007485, OMIM 127550. Inheritance: Variable.

Allele frequency attached by ClinVar (database versions not stated): gnomAD exomes 0.00001; TOPMed 0.00001.
gnomAD v4.1: 3 of 764,448 alleles (0.00039%); highest among the groups gnomAD compares: Admixed American, 0.0034%; no homozygotes.

Submission:

Labcorp Genetics (formerly Invitae), Labcorp
Classification: Uncertain significance for Dyskeratosis congenita, autosomal dominant 1. Last evaluated: 2019-10-14. Review status: criteria provided, single submitter. Criteria: Invitae Variant Classification Sherloc (09022015). Collection method: clinical testing. Allele origin: germline.
Comment: This variant is located within the template/pseudoknot domain of the TERC RNA component, which is required for RNA or RNP stability (PMID: 15082312, 21844345). Functional studies testing the effect of this variant on TERC secondary structure or function have not been reported. In summary, the available evidence is currently insufficient to determine the role of this variant in disease. Therefore, it has been classified as a Variant of Uncertain Significance. This variant has not been reported in the literature in individuals with TERC-related conditions. This variant is not present in population databases (ExAC no frequency). This variant occurs in the TERC gene, which encodes an RNA molecule that does not result in a protein product.

Literature cited by the submitters: PubMed 15082312; PubMed 21844345.

NC_000003.12:g.169764892T>C

Genes: TERC (telomerase RNA component; minus strand), LOC110806306 (telomerase RNA component (TERC) promoter; plus strand). Cytogenetic location: 3q26.2.
Variant type: single nucleotide variant.
Genome position: GRCh38 VCF-style: chr3-169764892-T-C. GRCh37 (hg19) VCF-style: chr3-169482680-T-C.
Identifiers: ClinVar variation 935570 (VCV000935570.11), dbSNP rs1439415851, ClinGen allele CA436715553.